The following is an entry in ClinVar:

NM_000059.4(BRCA2):c.5303_5304del (p.Leu1768fs)

Gene: BRCA2 (BRCA2 DNA repair associated; plus strand). Cytogenetic location: 13q13.1.
Variant type: Deletion.
Coding change: c.5303_5304del on transcript NM_000059.4 (MANE Select); coding-DNA positions 5303 to 5304, 2 bases deleted (TT; older notation c.5303_5304delTT).
Protein change: p.Leu1768fs; shifts the reading frame from leucine 1768.
Molecular consequence: frameshift variant.
Genome position (GRCh38, 1-based): chr13:32,339,658-32,339,659, TT deleted. VCF-style (leftmost placement, unchanged base first): chr13-32339657-CTT-C. GRCh37 (hg19) VCF-style: chr13-32913794-CTT-C.
Other names: 5531delTT; c.5303_5304delTT (NM_000059.3).
Identifiers: ClinVar variation 37957 (VCV000037957.59), dbSNP rs80359505, ClinGen allele CA021993.

ClinVar aggregate classification (germline): Pathogenic. Review status: reviewed by expert panel (3 of 4 stars). 29 submissions from 27 submitters: Pathogenic (1). 28 of the submissions do not count toward it. Last evaluated 2016-09-08.

Conditions:
Inherited ovarian cancer (without breast cancer).
BRCA2-related cancer predisposition. Identifiers: MedGen CN377758, MONDO:0700269.
Hereditary cancer-predisposing syndrome. Also called: Neoplastic Syndromes, Hereditary; Hereditary neoplastic syndrome; Tumor predisposition; Hereditary Cancer Syndrome. Identifiers: Orphanet 140162, MedGen C0027672, MeSH D009386, MONDO:0015356.
Hereditary breast ovarian cancer syndrome. Also called: Hereditary breast and ovarian cancer; Hereditary breast and ovarian cancer syndrome (HBOC); Hereditary breast and ovarian cancer syndrome; Breast and ovarian cancer; Hereditary breast and/or ovarian cancer syndrome; BRCA1- and BRCA2-Associated Hereditary Breast and Ovarian Cancer. Identifiers: Orphanet 145, MedGen C0677776, MeSH D061325, MONDO:0003582. Disease mechanism: loss of function.
Breast-ovarian cancer, familial, susceptibility to, 2 (BROVCA2). Also called: BRCA2 Hereditary Breast and Ovarian Cancer. Identifiers: Orphanet 145, MedGen C2675520, MONDO:0012933, OMIM 612555. Disease mechanism: loss of function.
Familial cancer of breast. Also called: Hereditary breast cancer; BREAST CANCER, FAMILIAL; hereditary breast carcinoma. Identifiers: Orphanet 227535, MedGen C0346153, MONDO:0016419, OMIM 114480. Disease mechanism: loss of function.
Intellectual disability. Also called: intellectual disabilities; Intellectual functioning disability; Intellectual developmental disorder. Identifiers: HP:0002543, MedGen C3714756, MeSH D008607, MONDO:0001071.
Malignant tumor of breast. Also called: Malignant breast neoplasm; Cancer breast. Identifiers: MedGen C0006142, MONDO:0007254. Disease mechanism: loss of function.

Allele frequency attached by ClinVar (database versions not stated): gnomAD 0.00004 and 0.00003; gnomAD exomes below 0.00001 and 0.00001; ExAC 0.00001; TOPMed 0.00003.

Submissions 1 to 9 of 29:

Evidence-based Network for the Interpretation of Germline Mutant Alleles (ENIGMA)
Classification: Pathogenic for Breast-ovarian cancer, familial, susceptibility to, 2. Last evaluated: 2016-09-08. Review status: reviewed by expert panel. Criteria: ENIGMA BRCA1/2 Classification Criteria (2015). Collection method: curation. Allele origin: germline.
Comment: Variant allele predicted to encode a truncated non-functional protein.

Women's Health and Genetics/Laboratory Corporation of America, LabCorp
Classification: Pathogenic for Hereditary breast ovarian cancer syndrome. Last evaluated: 2026-03-24. Review status: criteria provided, single submitter. Criteria: LabCorp Variant Classification Summary - May 2015. Collection method: clinical testing. Allele origin: germline. Not counted in ClinVar's aggregate classification.
Comment: Variant summary: BRCA2 c.5303_5304delTT (p.Leu1768ArgfsX5) results in a premature termination codon, predicted to cause a truncation of the encoded protein or absence of the protein due to nonsense mediated decay, which are commonly known mechanisms for disease. The variant allele was found at a frequency of 4e-06 in 250376 control chromosomes. c.5303_5304delTT (also known as 5531delTT) has been reported in the literature in multiple individuals affected with breast and ovarian cancer (Espeleta_2012, Tea_2014, Kraus_2016, Rebbeck_2018). These data indicate that the variant is very likely to be associated with disease. The following publications have been ascertained in the context of this evaluation (PMID: 23569316, 21895635, 24312913, 27616075, 18182994, 29446198, 24156927). ClinVar contains an entry for this variant (Variation ID: 37957). Based on the evidence outlined above, the variant was classified as pathogenic.

Labcorp Genetics (formerly Invitae), Labcorp
Classification: Pathogenic for Hereditary breast ovarian cancer syndrome. Last evaluated: 2025-11-18. Review status: criteria provided, single submitter. Criteria: Invitae Variant Classification Sherloc (09022015). Collection method: clinical testing. Allele origin: germline. Not counted in ClinVar's aggregate classification.
Comment: This sequence change creates a premature translational stop signal (p.Leu1768Argfs*5) in the BRCA2 gene. It is expected to result in an absent or disrupted protein product. Loss-of-function variants in BRCA2 are known to be pathogenic (PMID: 20104584). This variant is present in population databases (rs80359505, gnomAD 0.0009%). This premature translational stop signal has been observed in individual(s) with breast and/or ovarian cancer, and prostate cancer (PMID: 10969800, 21895635, 22762150). This variant is also known as 5531delTT. ClinVar contains an entry for this variant (Variation ID: 37957). For these reasons, this variant has been classified as Pathogenic.

Institute of Human Genetics, University of Leipzig Medical Center
Classification: Pathogenic for Breast-ovarian cancer, familial, susceptibility to, 2. Last evaluated: 2025-11-03. Review status: criteria provided, single submitter. Criteria: ACMG Guidelines, 2015. Collection method: clinical testing. Allele origin: unknown. Inheritance: Autosomal dominant inheritance. Affected: yes. Not counted in ClinVar's aggregate classification.
Comment: Criteria applied: PVS1,PM5_STR

Color Diagnostics, LLC DBA Color Health
Classification: Pathogenic for Hereditary cancer-predisposing syndrome. Last evaluated: 2025-06-09. Review status: criteria provided, single submitter. Criteria: ACMG Guidelines, 2015. Collection method: clinical testing. Allele origin: germline. Not counted in ClinVar's aggregate classification.
Comment: This variant deletes 2 nucleotides in exon 11 of the BRCA2 gene, creating a frameshift and premature translation stop signal. This variant is expected to result in an absent or non-functional protein product. This variant has been reported in an individual affected with ovarian cancer and 6 individuals affected with breast cancer (PMID: 21895635, 22711857, 22762150, 35264596, 33471991Leiden Open Variation Database DB-ID BRCA2_002874). This variant has been identified in 1/250376 chromosomes in the general population by the Genome Aggregation Database (gnomAD). Loss of BRCA2 function is a known mechanism of disease. Based on the available evidence, this variant is classified as Pathogenic.

Center for Genomic Medicine, Rigshospitalet, Copenhagen University Hospital
Classification: Pathogenic. Last evaluated: 2025-03-04. Review status: criteria provided, single submitter. Criteria: ACMG Guidelines, 2015. Collection method: clinical testing. Allele origin: germline. Not counted in ClinVar's aggregate classification.

Cambridge Genomics Laboratory, East Genomic Laboratory Hub, NHS Genomic Medicine Service
Classification: Pathogenic for Inherited ovarian cancer (without breast cancer). Last evaluated: 2024-09-02. Review status: criteria provided, single submitter. Criteria: ACGS Best Practice Guidelines for Variant Classification in Rare Disease 2020. Collection method: clinical testing. Allele origin: germline. Affected: yes. Not counted in ClinVar's aggregate classification.
Comment: PVS1,PM2_Supporting,PM5_Strong

Ambry Genetics
Classification: Pathogenic for Hereditary cancer-predisposing syndrome. Last evaluated: 2024-08-28. Review status: criteria provided, single submitter. Criteria: Ambry Variant Classification Scheme 2023. Collection method: clinical testing. Allele origin: germline. Not counted in ClinVar's aggregate classification.
Comment: The c.5303_5304delTT pathogenic mutation, located in coding exon 10 of the BRCA2 gene, results from a deletion of two nucleotides at nucleotide positions 5303 to 5304, causing a translational frameshift with a predicted alternate stop codon (p.L1768Rfs*5). This mutation has been reported in multiple HBOC families to date (Gayther SA et al. Cancer Res. 2000 Aug;60:4513-8; Guti&eacute;rrez Espeleta GA et al. Clin. Genet. 2012 Nov;82:484-8; Tea MK et al. Maturitas. 2014 Jan;77:68-72). Of note, this alteration is also designated as 5531delTT in some published literature. In addition to the clinical data presented in the literature, this alteration is expected to result in loss of function by premature protein truncation or nonsense-mediated mRNA decay. As such, this alteration is interpreted as a disease-causing mutation.

Molecular Pathology, Peter Maccallum Cancer Centre
Classification: Pathogenic for Breast-ovarian cancer, familial, susceptibility to, 2. Last evaluated: 2024-08-09. Review status: criteria provided, single submitter. Criteria: ACMG Guidelines, 2015. Collection method: clinical testing. Allele origin: germline. Inheritance: Autosomal dominant inheritance. Not counted in ClinVar's aggregate classification.